The following is an entry in ClinVar:

NM_001161352.2(KCNMA1):c.385C>G (p.Gln129Glu)

Gene: KCNMA1 (potassium calcium-activated channel subfamily M alpha 1; minus strand). Cytogenetic location: 10q22.3.
Variant type: single nucleotide variant.
Coding change: c.385C>G on transcript NM_001161352.2 (MANE Select); coding-DNA position 385, C replaced by G.
Protein change: p.Gln129Glu; replaces glutamine 129 with glutamic acid.
Molecular consequence: missense variant. On other transcripts: intron variant (1).
Genome position (GRCh38, 1-based): chr10:77,404,017, G>C on the plus strand (C>G on the coding strand, the complement: KCNMA1 is on the minus strand). VCF-style: chr10-77404017-G-C. GRCh37 (hg19) VCF-style: chr10-79163775-G-C.
Other names: c.385C>G, p.Gln129Glu (NM_001014797.3, NM_001161353.2, NM_001271519.2 and 7 more transcripts); c.379-152761C>G (NM_001271518.2); short protein forms Q129E.
Identifiers: ClinVar variation 1000311 (VCV001000311.10), dbSNP rs377430922, ClinGen allele CA210133345.

ClinVar aggregate classification (germline): Uncertain significance. Review status: criteria provided, multiple submitters, no conflicts (2 of 4 stars). 2 submissions from 2 submitters: Uncertain significance (2). Last evaluated 2025-05-26.

Conditions:
Generalized epilepsy-paroxysmal dyskinesia syndrome (PNKD3). Also called: Generalized epilepsy and paroxysmal dyskinesia; Paroxysmal nonkinesigenic dyskinesia, 3, with or without generalized epilepsy. Identifiers: Orphanet 79137, MedGen C5574945, MONDO:0012276, OMIM 609446.

Allele frequency attached by ClinVar (database versions not stated): gnomAD exomes below 0.00001; gnomAD 0.00001; TOPMed 0.00002; ESP Exome Variant Server 0.00008.
gnomAD v4.1: 3 of 1,613,908 alleles (0.00019%); highest among the groups gnomAD compares: African/African-American, 0.004%; no homozygotes.

Submissions (2):

Labcorp Genetics (formerly Invitae), Labcorp
Classification: Uncertain significance for Generalized epilepsy-paroxysmal dyskinesia syndrome. Last evaluated: 2025-05-26. Review status: criteria provided, single submitter. Criteria: Invitae Variant Classification Sherloc (09022015). Collection method: clinical testing. Allele origin: germline.
Comment: This sequence change replaces glutamine, which is neutral and polar, with glutamic acid, which is acidic and polar, at codon 129 of the KCNMA1 protein (p.Gln129Glu). This variant is not present in population databases (gnomAD no frequency). This variant has not been reported in the literature in individuals affected with KCNMA1-related conditions. ClinVar contains an entry for this variant (Variation ID: 1000311). An algorithm developed to predict the effect of missense changes on protein structure and function (PolyPhen-2) suggests that this variant is likely to be tolerated. In summary, the available evidence is currently insufficient to determine the role of this variant in disease. Therefore, it has been classified as a Variant of Uncertain Significance.

Women's Health and Genetics/Laboratory Corporation of America, LabCorp
Classification: Uncertain significance. Last evaluated: 2025-03-24. Review status: criteria provided, single submitter. Criteria: LabCorp Variant Classification Summary - May 2015. Collection method: clinical testing. Allele origin: germline.
Comment: Variant summary: KCNMA1 c.385C>G (p.Gln129Glu) results in a conservative amino acid change in the encoded protein sequence. Four of five in-silico tools predict a benign effect of the variant on protein function. The variant was absent in 251398 control chromosomes. The available data on variant occurrences in the general population are insufficient to allow any conclusion about variant significance. To our knowledge, no occurrence of c.385C>G in individuals affected with Paroxysmal Nonkinesigenic Dyskinesia, 3, With Or Without Generalized Epilepsy and no experimental evidence demonstrating its impact on protein function have been reported. ClinVar contains an entry for this variant (Variation ID: 1000311). Based on the evidence outlined above, the variant was classified as uncertain significance.